The following is an entry in ClinVar:

NM_016169.4(SUFU):c.1290G>A (p.Trp430Ter)

Gene: SUFU (SUFU negative regulator of hedgehog signaling; plus strand). Cytogenetic location: 10q24.32.
Variant type: single nucleotide variant.
Coding change: c.1290G>A on transcript NM_016169.4 (MANE Select); coding-DNA position 1290, G replaced by A.
Protein change: p.Trp430Ter; replaces tryptophan 430 with a stop codon.
Molecular consequence: nonsense.
Genome position (GRCh38, 1-based): chr10:102,617,422, G>A. VCF-style: chr10-102617422-G-A. GRCh37 (hg19) VCF-style: chr10-104377179-G-A.
Other names: c.1290G>A, p.Trp430Ter (NM_001178133.2); short protein forms W430*.
Identifiers: ClinVar variation 818817 (VCV000818817.4), dbSNP rs1590084324, ClinGen allele CA377916704.

ClinVar aggregate classification (germline): Pathogenic (1 of 4 stars; one submission).

Conditions:
Hereditary cancer-predisposing syndrome. Also called: Tumor predisposition; Hereditary neoplastic syndrome; Neoplastic Syndromes, Hereditary; Hereditary Cancer Syndrome. Identifiers: Orphanet 140162, MedGen C0027672, MeSH D009386, MONDO:0015356.

Submission:

Ambry Genetics
Classification: Pathogenic for Hereditary cancer-predisposing syndrome. Last evaluated: 2018-12-07. Review status: criteria provided, single submitter. Criteria: Ambry Variant Classification Scheme 2023. Collection method: clinical testing. Allele origin: germline.
Comment: The p.W430* pathogenic mutation (also known as c.1290G>A), located in coding exon 10 of the SUFU gene, results from a G to A substitution at nucleotide position 1290. This changes the amino acid from a tryptophan to a stop codon within coding exon 10. This alteration is expected to result in loss of function by premature protein truncation or nonsense-mediated mRNA decay. As such, this alteration is interpreted as a disease-causing mutation.